The following is an entry in ClinVar:

ClinVar aggregate classification (germline): Uncertain significance (1 of 4 stars; one submission).

Submission:

Labcorp Genetics (formerly Invitae), Labcorp
Classification: Uncertain significance. Last evaluated: 2020-08-05. Review status: criteria provided, single submitter. Criteria: Invitae Variant Classification Sherloc (09022015). Collection method: clinical testing. Allele origin: germline.
Comment: This variant results in a copy number gain of the genomic region encompassing the full coding sequence of the TRPM1 gene. The boundaries of this event are unknown as they extend beyond the assayed region for this gene and therefore may encompass additional genes. As the precise location of this event is unknown, it may be in tandem or it may be located elsewhere in the genome. This variant has not been reported in the literature in individuals with TRPM1-related conditions. In summary, the available evidence is currently insufficient to determine the role of this variant in disease. Therefore, it has been classified as a Variant of Uncertain Significance.

NC_000015.9:g.(?_31294025)_(31369124_?)dup

Genes: MIR211 (microRNA 211; minus strand), TRPM1 (transient receptor potential cation channel subfamily M member 1; minus strand). Cytogenetic location: 15q13.3.
Variant type: Duplication.
Identifiers: ClinVar variation 1015049 (VCV001015049.2).